The following is an entry in ClinVar:

NM_001252024.2(TRPM1):c.2268C>T (p.Thr756=)

Gene: TRPM1 (transient receptor potential cation channel subfamily M member 1; minus strand). Cytogenetic location: 15q13.3.
Variant type: single nucleotide variant.
Coding change: c.2268C>T on transcript NM_001252024.2 (MANE Select); coding-DNA position 2268, C replaced by T.
Protein change: p.Thr756=; no amino-acid change (threonine 756 retained).
Molecular consequence: synonymous variant.
Genome position (GRCh38, 1-based): chr15:31,040,166, G>A on the plus strand (C>T on the coding strand, the complement: TRPM1 is on the minus strand). VCF-style: chr15-31040166-G-A. GRCh37 (hg19) VCF-style: chr15-31332369-G-A.
Other names: c.2319C>T, p.Thr773= (NM_001252020.2); c.2202C>T, p.Thr734= (NM_002420.6); c.2319C>T (NM_001252020.1).
Identifiers: ClinVar variation 315515 (VCV000315515.15), dbSNP rs756489745, ClinGen allele CA7452279.

ClinVar aggregate classification (germline): Conflicting classifications of pathogenicity. Review status: criteria provided, conflicting classifications (1 of 4 stars). 4 submissions from 4 submitters: Uncertain significance (1); Likely benign (3). Last evaluated 2025-07-14.

Conditions:
Congenital stationary night blindness 1C. Also called: Night blindness, congenital stationary (complete), 1C, autosomal recessive. Identifiers: Orphanet 215, MedGen C2750747, MONDO:0013183, OMIM 613216.
TRPM1-related disorder. Also called: TRPM1-related condition.

Allele frequency attached by ClinVar (database versions not stated): gnomAD 0.00001; TOPMed 0.00002; gnomAD exomes 0.00004; ExAC 0.00007.
gnomAD v4.1: 27 of 1,614,050 alleles (0.0017%); highest among the groups gnomAD compares: Admixed American, 0.0033%; 1 homozygote.

Submissions (4):

Labcorp Genetics (formerly Invitae), Labcorp
Classification: Likely benign. Last evaluated: 2025-07-14. Review status: criteria provided, single submitter. Criteria: Invitae Variant Classification Sherloc (09022015). Collection method: clinical testing. Allele origin: germline.

PreventionGenetics, part of Exact Sciences
Classification: Likely benign for TRPM1-related condition. Last evaluated: 2025-02-05. Review status: criteria provided, single submitter. Criteria: ACMG Guidelines, 2015. Collection method: clinical testing. Allele origin: germline.
Comment: This variant is classified as likely benign based on ACMG/AMP sequence variant interpretation guidelines (Richards et al. 2015 PMID: 25741868, with internal and published modifications).

Blueprint Genetics
Classification: Likely benign. Last evaluated: 2024-10-02. Review status: criteria provided, single submitter. Criteria: ACMG Guidelines, 2015. Collection method: clinical testing. Allele origin: germline.

Illumina Laboratory Services, Illumina
Classification: Uncertain significance for Congenital stationary night blindness 1C. Last evaluated: 2018-01-12. Review status: criteria provided, single submitter. Criteria: ICSL Variant Classification Criteria 13 December 2019. Collection method: clinical testing. Allele origin: germline.